The following is an entry in ClinVar:

NM_001127208.3(TET2):c.4330_4331del (p.Ile1444fs)

Genes: TET2 (tet methylcytosine dioxygenase 2; plus strand), TET2-AS1 (TET2 antisense RNA 1; minus strand). Cytogenetic location: 4q24.
Variant type: Deletion.
Coding change: c.4330_4331del on transcript NM_001127208.3 (MANE Select); coding-DNA positions 4330 to 4331, 2 bases deleted (AT; older notation c.4330_4331delAT).
Protein change: p.Ile1444fs; shifts the reading frame from isoleucine 1444.
Molecular consequence: frameshift variant.
Genome position (GRCh38, 1-based): chr4:105,272,711-105,272,712, AT deleted. VCF-style (leftmost placement, unchanged base first): chr4-105272710-CAT-C. GRCh37 (hg19) VCF-style: chr4-106193867-CAT-C.
Other names: short protein forms I1444fs.
Identifiers: ClinVar variation 3658443 (VCV003658443.2).

ClinVar aggregate classification (germline): Pathogenic (1 of 4 stars; one submission).

Submission:

Labcorp Genetics (formerly Invitae), Labcorp
Classification: Pathogenic. Last evaluated: 2024-08-01. Review status: criteria provided, single submitter. Criteria: Invitae Variant Classification Sherloc (09022015). Collection method: clinical testing. Allele origin: germline.
Comment: This sequence change creates a premature translational stop signal (p.Ile1444Serfs*33) in the TET2 gene. It is expected to result in an absent or disrupted protein product. Loss-of-function variants in TET2 are known to be pathogenic (PMID: 36066697). This variant is not present in population databases (gnomAD no frequency). This variant has not been reported in the literature in individuals affected with TET2-related conditions. For these reasons, this variant has been classified as Pathogenic.

Literature cited by the submitters: PubMed 36066697.